The following is an entry in ClinVar:

NM_201384.3(PLEC):c.4410G>A (p.Gly1470=)

Gene: PLEC (plectin; minus strand). Cytogenetic location: 8q24.3.
Variant type: single nucleotide variant.
Coding change: c.4410G>A on transcript NM_201384.3 (MANE Select); coding-DNA position 4410, G replaced by A.
Protein change: p.Gly1470=; no amino-acid change (glycine 1470 retained).
Molecular consequence: synonymous variant.
Genome position (GRCh38, 1-based): chr8:143,925,519, C>T on the plus strand (G>A on the coding strand, the complement: PLEC is on the minus strand). VCF-style: chr8-143925519-C-T. GRCh37 (hg19) VCF-style: chr8-144999687-C-T.
Other names: c.4491G>A, p.Gly1497= (NM_000445.5); c.4368G>A, p.Gly1456= (NM_201378.4); c.4344G>A, p.Gly1448= (NM_201379.3); c.4821G>A, p.Gly1607= (NM_201380.4); c.4314G>A, p.Gly1438= (NM_201381.3); c.4410G>A, p.Gly1470= (NM_201382.4); c.4422G>A, p.Gly1474= (NM_201383.3).
Identifiers: ClinVar variation 286123 (VCV000286123.43), dbSNP rs782222671, ClinGen allele CA4926670.
Genomic context (GRCh38, chr8:143,925,519, plus strand): 5'-TCGCTTTTGTGCCTCAGCCTCCTCCGCCCGTGCACGCAGTGCCTGCAGCTCCCCCTCAGC[C>T]CCGCCACGCTGGCGCTCGGTGGCCTCCAACTGCAGGCGCACCACGCGGATCTCCTCCTCG-3'
Protein context (NP_958786.1, residues 1460-1480): QLEATERQRG[Gly1470=]AEGELQALRA

ClinVar aggregate classification (germline): Conflicting classifications of pathogenicity. Review status: criteria provided, conflicting classifications (1 of 4 stars). 6 submissions from 6 submitters: Uncertain significance (2); Likely benign (3). 1 of the submissions does not count toward it. Last evaluated 2026-01-11.

Conditions:
PLEC-related disorder. Also called: PLEC-related condition; PLEC-related disorders.
Autosomal recessive limb-girdle muscular dystrophy type 2Q (LGMDR17). Also called: MUSCULAR DYSTROPHY, LIMB-GIRDLE, AUTOSOMAL RECESSIVE 17. Identifiers: Orphanet 254361, MedGen C3150989, MONDO:0013390, OMIM 613723.
Epidermolysis bullosa simplex with nail dystrophy (EBS5D). Identifiers: MedGen C4225309, MONDO:0014661, OMIM 616487.
Epidermolysis bullosa simplex 5C, with pyloric atresia (EBS5C). Also called: PLEC-Related Epidermolysis Bullosa with Pyloric Atresia; PLEC1-Related Epidermolysis Bullosa with Pyloric Atresia; Epidermolysis bullosa simplex with pyloric atresia. Identifiers: Orphanet 158684, MedGen C2677349, MONDO:0012807, OMIM 612138.
Epidermolysis bullosa simplex, Ogna type (EBS5A). Also called: Pidermolysis bullosa simplex 5A, Ogna type; EPIDERMOLYSIS BULLOSA SIMPLEX 5A, OGNA TYPE. Identifiers: Orphanet 79401, MedGen C0432317, MONDO:0007555, OMIM 131950.
Epidermolysis bullosa simplex 5B, with muscular dystrophy (EBS5B). Also called: Epidermolysis bullosa simplex with muscular dystrophy; EPIDERMOLYSIS BULLOSA SIMPLEX AND LIMB-GIRDLE MUSCULAR DYSTROPHY. Identifiers: Orphanet 257, MedGen C2931072, MONDO:0009181, OMIM 226670.

Allele frequency attached by ClinVar (database versions not stated): ExAC 0.00005; gnomAD exomes 0.00005; gnomAD 0.00008; TOPMed 0.00009.
gnomAD v4.1: 85 of 1,595,690 alleles (0.0053%); highest among the groups gnomAD compares: Non-Finnish European, 0.0065%; no homozygotes.

Submissions (6):

Labcorp Genetics (formerly Invitae), Labcorp
Classification: Likely benign for Autosomal recessive limb-girdle muscular dystrophy type 2Q; Epidermolysis bullosa simplex, Ogna type; Epidermolysis bullosa simplex with nail dystrophy; Epidermolysis bullosa simplex 5C, with pyloric atresia; Epidermolysis bullosa simplex 5B, with muscular dystrophy. Last evaluated: 2026-01-11. Review status: criteria provided, single submitter. Criteria: Invitae Variant Classification Sherloc (09022015). Collection method: clinical testing. Allele origin: germline.

Blueprint Genetics
Classification: Likely benign. Last evaluated: 2024-09-03. Review status: criteria provided, single submitter. Criteria: ACMG Guidelines, 2015. Collection method: clinical testing. Allele origin: germline.

CeGaT Center for Human Genetics Tuebingen
Classification: Likely benign. Last evaluated: 2022-06-01. Review status: criteria provided, single submitter. Criteria: CeGaT Center For Human Genetics Tuebingen Variant Classification Criteria Version 2. Collection method: clinical testing. Allele origin: germline. Affected: yes. Observed: 1 variant allele.
Comment: PLEC: BP4, BP7

Centre for Mendelian Genomics, University Medical Centre Ljubljana
Classification: Uncertain significance for Autosomal recessive limb-girdle muscular dystrophy type 2Q. Last evaluated: 2019-02-28. Review status: criteria provided, single submitter. Criteria: ACMG Guidelines, 2015. Collection method: clinical testing. Allele origin: unknown. Affected: yes.
Comment: This variant was classified as: Uncertain significance. The available evidence on this variant's pathogenicity is insufficient or conflicting. The following ACMG criteria were applied in classifying this variant: PM2.

Eurofins Ntd Llc (ga)
Classification: Uncertain significance. Last evaluated: 2016-02-12. Review status: criteria provided, single submitter. Criteria: EGL Classification Definitions 2015. Collection method: clinical testing. Allele origin: germline. Observed: 2 variant alleles, 2 heterozygotes.

PreventionGenetics, part of Exact Sciences
Classification: Likely benign for PLEC-related condition. Last evaluated: 2022-07-08. Review status: no assertion criteria provided. Collection method: clinical testing. Allele origin: germline. Not counted in ClinVar's aggregate classification.
Comment: This variant is classified as likely benign based on ACMG/AMP sequence variant interpretation guidelines (Richards et al. 2015 PMID: 25741868, with internal and published modifications).